The following is an entry in ClinVar:

ClinVar aggregate classification (germline): Uncertain significance (1 of 4 stars; one submission).

Conditions:
Malignant hyperthermia, susceptibility to, 1 (MHS1). Also called: Anesthesia related hyperthermia; Malignant hyperpyrexia; Fulminating hyperpyrexia; Pharmacogenic myopathy; RYR1-Related Malignant Hyperthermia Susceptibility; Malignant hyperthermia suceptibility 1. Identifiers: Orphanet 423, MedGen C2930980, MONDO:0007783, OMIM 145600.

Submission:

All of Us Research Program, National Institutes of Health
Classification: Uncertain significance for Malignant hyperthermia, susceptibility to, 1. Last evaluated: 2024-02-05. Review status: criteria provided, single submitter. Criteria: ACMG Guidelines, 2015. Collection method: clinical testing. Allele origin: germline. Inheritance: Autosomal dominant inheritance. Observed: 1 variant allele, 1 heterozygote.
Comment: This missense variant replaces glutamic acid with aspartic acid at codon 2026 of the RYR1 protein. Computational prediction suggests that this variant may not impact protein structure and function (internally defined REVEL score threshold <= 0.5, PMID: 27666373). To our knowledge, functional studies have not been reported for this variant. This variant has not been reported in individuals affected with RYR1-related disorders in the literature. This variant has not been identified in the general population by the Genome Aggregation Database (gnomAD). The available evidence is insufficient to determine the role of this variant in disease conclusively. Therefore, this variant is classified as a Variant of Uncertain Significance.

This study involves interpretation of variants in research participants for the purpose of population health screening. Participant phenotype was not available at the time of variant classification. Additional details can be found in publication PMID: 35346344, PMCID: PMC8962531

NM_000540.3(RYR1):c.6078G>T (p.Glu2026Asp)

Gene: RYR1 (ryanodine receptor 1; plus strand). Cytogenetic location: 19q13.2.
Variant type: single nucleotide variant.
Coding change: c.6078G>T on transcript NM_000540.3 (MANE Select); coding-DNA position 6078, G replaced by T.
Protein change: p.Glu2026Asp; replaces glutamic acid 2026 with aspartic acid.
Molecular consequence: missense variant.
Genome position (GRCh38, 1-based): chr19:38,490,683, G>T. VCF-style: chr19-38490683-G-T. GRCh37 (hg19) VCF-style: chr19-38981323-G-T.
Other names: c.6078G>T, p.Glu2026Asp (NM_001042723.2); short protein forms E2026D.
Identifiers: ClinVar variation 3075499 (VCV003075499.1), dbSNP rs201310026, ClinGen allele CA405660841.
Genomic context (GRCh38, chr19:38,490,683, plus strand): 5'-CAATATGCTATTGCAATTCAAAGATGGTACAGATGAGGAAGACTGTCCTCTCCCTGAAGA[G>T]ATTCGACAGGATTTGCTTGACTTTCATCAAGACCTGCTGGCACACTGTGGTAAGGAGTGG-3'
Protein context (NP_000531.2, residues 2016-2036): TDEEDCPLPE[Glu2026Asp]IRQDLLDFHQ